The following is an entry in ClinVar:

ClinVar aggregate classification (germline): Uncertain significance. Review status: criteria provided, multiple submitters, no conflicts (2 of 4 stars). 4 submissions from 4 submitters: Uncertain significance (4). Last evaluated 2026-04-27.

Conditions:
Cardiovascular phenotype. Identifiers: MedGen CN230736.

Allele frequency attached by ClinVar (database versions not stated): gnomAD exomes 0.00001; gnomAD 0.00004; TOPMed 0.00004.
gnomAD v4.1: 28 of 1,550,252 alleles (0.0018%); highest among the groups gnomAD compares: African/African-American, 0.0041%; no homozygotes.

Submissions (4):

Women's Health and Genetics/Laboratory Corporation of America, LabCorp
Classification: Uncertain significance. Last evaluated: 2026-04-27. Review status: criteria provided, single submitter. Criteria: LabCorp Variant Classification Summary - May 2015. Collection method: clinical testing. Allele origin: germline.
Comment: Variant summary: ZNF469 c.2534C>T (p.Thr845Ile) results in a non-conservative amino acid change in the encoded protein sequence. Algorithms developed to predict the effect of missense changes on protein structure and function are either unavailable or do not agree on the potential impact of this missense change. The variant was absent in 151588 control chromosomes. The available data on variant occurrences in the general population are insufficient to allow any conclusion about variant significance. To our knowledge, no occurrence of c.2534C>T in individuals affected with ZNF469-related conditions and no experimental evidence demonstrating its impact on protein function have been reported. ClinVar contains an entry for this variant (Variation ID: 1254510). Based on the evidence outlined above, the variant was classified as uncertain significance.

Labcorp Genetics (formerly Invitae), Labcorp
Classification: Uncertain significance. Last evaluated: 2024-06-17. Review status: criteria provided, single submitter. Criteria: Invitae Variant Classification Sherloc (09022015). Collection method: clinical testing. Allele origin: germline.
Comment: This sequence change replaces threonine, which is neutral and polar, with isoleucine, which is neutral and non-polar, at codon 845 of the ZNF469 protein (p.Thr845Ile). This variant is not present in population databases (gnomAD no frequency). This variant has not been reported in the literature in individuals affected with ZNF469-related conditions. ClinVar contains an entry for this variant (Variation ID: 1254510). An algorithm developed to predict the effect of missense changes on protein structure and function (PolyPhen-2) suggests that this variant is likely to be disruptive. In summary, the available evidence is currently insufficient to determine the role of this variant in disease. Therefore, it has been classified as a Variant of Uncertain Significance.

Ambry Genetics
Classification: Uncertain significance for Cardiovascular phenotype. Last evaluated: 2023-05-27. Review status: criteria provided, single submitter. Criteria: Ambry Variant Classification Scheme 2023. Collection method: clinical testing. Allele origin: germline.
Comment: The p.T845I variant (also known as c.2534C>T), located in coding exon 1 of the ZNF469 gene, results from a C to T substitution at nucleotide position 2534. The threonine at codon 845 is replaced by isoleucine, an amino acid with similar properties. This amino acid position is conserved. In addition, the in silico prediction for this alteration is inconclusive. Since supporting evidence is limited at this time, the clinical significance of this alteration remains unclear.

GeneDx
Classification: Uncertain significance. Last evaluated: 2021-07-12. Review status: criteria provided, single submitter. Criteria: GeneDx Variant Classification Process June 2021. Collection method: clinical testing. Allele origin: germline. Affected: yes.
Comment: Has not been previously published as pathogenic or benign to our knowledge; Not observed at significant frequency in large population cohorts (Lek et al., 2016); In silico analysis supports that this missense variant has a deleterious effect on protein structure/function; This variant is associated with the following publications: (PMID: 27535533)

NM_001367624.2(ZNF469):c.2534C>T (p.Thr845Ile)

Gene: ZNF469 (zinc finger protein 469; plus strand). Cytogenetic location: 16q24.2.
Variant type: single nucleotide variant.
Coding change: c.2534C>T on transcript NM_001367624.2 (MANE Select); coding-DNA position 2534, C replaced by T.
Protein change: p.Thr845Ile; replaces threonine 845 with isoleucine.
Molecular consequence: missense variant.
Genome position (GRCh38, 1-based): chr16:88,430,004, C>T. VCF-style: chr16-88430004-C-T. GRCh37 (hg19) VCF-style: chr16-88496412-C-T.
Other names: NM_001127464.1:c.2534C>T; short protein forms T845I.
Identifiers: ClinVar variation 1254510 (VCV001254510.12), dbSNP rs954465163, ClinGen allele CA286373764.